The following is an entry in ClinVar:

ClinVar aggregate classification (germline): Uncertain significance. Review status: criteria provided, multiple submitters, no conflicts (2 of 4 stars). 3 submissions from 3 submitters: Uncertain significance (3). Last evaluated 2026-06-29.

Conditions:
Hereditary breast ovarian cancer syndrome. Also called: Hereditary breast and/or ovarian cancer syndrome; BRCA1- and BRCA2-Associated Hereditary Breast and Ovarian Cancer; Hereditary breast and ovarian cancer syndrome; Breast and ovarian cancer; Hereditary breast and ovarian cancer; Hereditary breast and ovarian cancer syndrome (HBOC). Identifiers: Orphanet 145, MedGen C0677776, MeSH D061325, MONDO:0003582. Disease mechanism: loss of function.
Familial cancer of breast. Also called: hereditary breast carcinoma; Hereditary breast cancer; BREAST CANCER, FAMILIAL. Identifiers: Orphanet 227535, MedGen C0346153, MONDO:0016419, OMIM 114480. Disease mechanism: loss of function.
Hereditary cancer-predisposing syndrome. Also called: Neoplastic Syndromes, Hereditary; Hereditary neoplastic syndrome; Hereditary Cancer Syndrome; Tumor predisposition. Identifiers: Orphanet 140162, MedGen C0027672, MeSH D009386, MONDO:0015356.

Submissions (3):

Ambry Genetics
Classification: Uncertain significance for Hereditary cancer-predisposing syndrome. Last evaluated: 2026-06-29. Review status: criteria provided, single submitter. Criteria: Ambry Variant Classification Scheme 2023. Collection method: clinical testing. Allele origin: germline.
Comment: The p.H2537Y variant (also known as c.7609C>T), located in coding exon 14 of the BRCA2 gene, results from a C to T substitution at nucleotide position 7609. The histidine at codon 2537 is replaced by tyrosine, an amino acid with similar properties. Two saturation genome editing-based studies, including a haploid cell-survival assay and a humanized mouse embryonic stem cell line assay of drug response and survival, demonstrate that this nucleotide substitution may be functional; however, additional evidence is needed to confirm these findings (Huang H et al. Nature. 2025 Feb;638(8050):528-537; Sahu S et al. Nature. 2025 Feb;638(8050):538-545).This amino acid position is not well conserved in available vertebrate species. In addition, the in silico prediction for this alteration is inconclusive. Based on the available evidence, the clinical significance of this variant remains unclear.

Labcorp Genetics (formerly Invitae), Labcorp
Classification: Uncertain significance for Hereditary breast ovarian cancer syndrome. Last evaluated: 2023-08-01. Review status: criteria provided, single submitter. Criteria: Invitae Variant Classification Sherloc (09022015). Collection method: clinical testing. Allele origin: germline.
Comment: In summary, the available evidence is currently insufficient to determine the role of this variant in disease. Therefore, it has been classified as a Variant of Uncertain Significance. Advanced modeling of protein sequence and biophysical properties (such as structural, functional, and spatial information, amino acid conservation, physicochemical variation, residue mobility, and thermodynamic stability) performed at Invitae indicates that this missense variant is not expected to disrupt BRCA2 protein function. ClinVar contains an entry for this variant (Variation ID: 462450). This variant has not been reported in the literature in individuals affected with BRCA2-related conditions. This variant is not present in population databases (gnomAD no frequency). This sequence change replaces histidine, which is basic and polar, with tyrosine, which is neutral and polar, at codon 2537 of the BRCA2 protein (p.His2537Tyr).

Baylor Genetics
Classification: Uncertain significance for Familial cancer of breast. Last evaluated: 2023-05-18. Review status: criteria provided, single submitter. Criteria: ACMG Guidelines, 2015. Collection method: clinical testing. Allele origin: unknown.

Literature cited by the submitters: PubMed 39779848 (cited by Ambry Genetics); PubMed 39779857 (cited by Ambry Genetics).

NM_000059.4(BRCA2):c.7609C>T (p.His2537Tyr)

Gene: BRCA2 (BRCA2 DNA repair associated; plus strand). Cytogenetic location: 13q13.1.
Variant type: single nucleotide variant.
Coding change: c.7609C>T on transcript NM_000059.4 (MANE Select); coding-DNA position 7609, C replaced by T.
Protein change: p.His2537Tyr; replaces histidine 2537 with tyrosine.
Molecular consequence: missense variant.
Genome position (GRCh38, 1-based): chr13:32,356,601, C>T. VCF-style: chr13-32356601-C-T. GRCh37 (hg19) VCF-style: chr13-32930738-C-T.
Other names: short protein forms H2537Y.
Identifiers: ClinVar variation 462450 (VCV000462450.9), dbSNP rs1555286310, ClinGen allele CA387744005.